The following is an entry in ClinVar:

ClinVar aggregate classification (germline): Uncertain significance (1 of 4 stars; one submission).

gnomAD v4.1: 2 of 1,614,130 alleles (0.00012%); highest among the groups gnomAD compares: South Asian, 0.0022%; no homozygotes.

Submission:

Laboratory for Molecular Medicine, Mass General Brigham Personalized Medicine
Classification: Uncertain significance. Last evaluated: 2016-12-06. Review status: criteria provided, single submitter. Criteria: LMM Criteria. Collection method: clinical testing. Allele origin: germline. Observed: 2 variant alleles.
Comment: The p.Gly656Ser variant in TECTA has not been previously reported in individuals with hearing loss or in large population studies. Computational prediction tool s and conservation analysis do not provide strong support for or against an impa ct to the protein. In summary, the clinical significance of the p.Gly656Ser vari ant is uncertain.

NM_005422.4(TECTA):c.1966G>A (p.Gly656Ser)

Genes: TBCEL-TECTA (TBCEL-TECTA readthrough; plus strand), TECTA (tectorin alpha; plus strand). Cytogenetic location: 11q23.3.
Variant type: single nucleotide variant.
Coding change: c.1966G>A on transcript NM_005422.4 (MANE Select); coding-DNA position 1966, G replaced by A.
Protein change: p.Gly656Ser; replaces glycine 656 with serine.
Molecular consequence: missense variant.
Genome position (GRCh38, 1-based): chr11:121,127,943, G>A. VCF-style: chr11-121127943-G-A. GRCh37 (hg19) VCF-style: chr11-120998652-G-A.
Other names: c.2923G>A, p.Gly975Ser (NM_001378761.1); short protein forms G656S, G975S.
Identifiers: ClinVar variation 505412 (VCV000505412.5), dbSNP rs1555123944, ClinGen allele CA383013868.